The following is an entry in ClinVar:

ClinVar aggregate classification (germline): Uncertain significance. Review status: criteria provided, multiple submitters, no conflicts (2 of 4 stars). 2 submissions from 2 submitters: Uncertain significance (2). Last evaluated 2025-01-27.

Conditions:
Inborn genetic diseases. Identifiers: MedGen C0950123, MeSH D030342.

gnomAD v4.1: 20 of 1,613,226 alleles (0.0012%); highest among the groups gnomAD compares: Non-Finnish European, 0.0017%; no homozygotes.

Submissions (2):

Ambry Genetics
Classification: Uncertain significance for Inborn genetic diseases. Last evaluated: 2025-01-27. Review status: criteria provided, single submitter. Criteria: Ambry Variant Classification Scheme 2023. Collection method: clinical testing. Allele origin: germline.

Labcorp Genetics (formerly Invitae), Labcorp
Classification: Uncertain significance. Last evaluated: 2024-08-28. Review status: criteria provided, single submitter. Criteria: Invitae Variant Classification Sherloc (09022015). Collection method: clinical testing. Allele origin: germline.
Comment: This sequence change replaces alanine, which is neutral and non-polar, with valine, which is neutral and non-polar, at codon 786 of the ABL1 protein (p.Ala786Val). This variant is not present in population databases (gnomAD no frequency). This variant has not been reported in the literature in individuals affected with ABL1-related conditions. Invitae Evidence Modeling of protein sequence and biophysical properties (such as structural, functional, and spatial information, amino acid conservation, physicochemical variation, residue mobility, and thermodynamic stability) indicates that this missense variant is not expected to disrupt ABL1 protein function with a negative predictive value of 95%. In summary, the available evidence is currently insufficient to determine the role of this variant in disease. Therefore, it has been classified as a Variant of Uncertain Significance.

NM_005157.6(ABL1):c.2300C>T (p.Ala767Val)

Gene: ABL1 (ABL proto-oncogene 1, non-receptor tyrosine kinase; plus strand). Cytogenetic location: 9q34.12.
Variant type: single nucleotide variant.
Coding change: c.2300C>T on transcript NM_005157.6 (MANE Select); coding-DNA position 2300, C replaced by T.
Protein change: p.Ala767Val; replaces alanine 767 with valine.
Molecular consequence: missense variant.
Genome position (GRCh38, 1-based): chr9:130,884,590, C>T. VCF-style: chr9-130884590-C-T. GRCh37 (hg19) VCF-style: chr9-133759977-C-T.
Other names: c.2357C>T, p.Ala786Val (NM_007313.3); c.2357C>T (NM_007313.2); short protein forms A767V, A786V.
Identifiers: ClinVar variation 3608395 (VCV003608395.3).